The following is an entry in ClinVar:

ClinVar aggregate classification (germline): Uncertain significance (1 of 4 stars; one submission).

Conditions:
Hereditary cancer-predisposing syndrome. Also called: Tumor predisposition; Neoplastic Syndromes, Hereditary; Hereditary Cancer Syndrome; Hereditary neoplastic syndrome. Identifiers: Orphanet 140162, MedGen C0027672, MeSH D009386, MONDO:0015356.

Submission:

Ambry Genetics
Classification: Uncertain significance for Hereditary cancer-predisposing syndrome. Last evaluated: 2024-10-19. Review status: criteria provided, single submitter. Criteria: Ambry Variant Classification Scheme 2023. Collection method: clinical testing. Allele origin: germline.
Comment: The p.G1162D variant (also known as c.3485G>A), located in coding exon 20 of the DICER1 gene, results from a G to A substitution at nucleotide position 3485. The glycine at codon 1162 is replaced by aspartic acid, an amino acid with similar properties. This amino acid position is conserved. In addition, this alteration is predicted to be tolerated by in silico analysis. Based on the available evidence, the clinical significance of this variant remains unclear.

NM_177438.3(DICER1):c.3485G>A (p.Gly1162Asp)

Gene: DICER1 (dicer 1, ribonuclease III; minus strand). Cytogenetic location: 14q32.13.
Variant type: single nucleotide variant.
Coding change: c.3485G>A on transcript NM_177438.3 (MANE Select); coding-DNA position 3485, G replaced by A.
Protein change: p.Gly1162Asp; replaces glycine 1162 with aspartic acid.
Molecular consequence: missense variant. On other transcripts: non-coding transcript variant (6).
Genome position (GRCh38, 1-based): chr14:95,103,911, C>T on the plus strand (G>A on the coding strand, the complement: DICER1 is on the minus strand). VCF-style: chr14-95103911-C-T. GRCh37 (hg19) VCF-style: chr14-95570248-C-T.
Other names: c.3485G>A, p.Gly1162Asp (NM_001195573.1, NM_001271282.3, NM_001291628.2 and 12 more transcripts); c.3203G>A, p.Gly1068Asp (NM_001395686.1); c.3080G>A, p.Gly1027Asp (NM_001395687.1, NM_001395688.1, NM_001395689.1 and 2 more transcripts); c.2918G>A, p.Gly973Asp (NM_001395691.1); c.1802G>A, p.Gly601Asp (NM_001395697.1); short protein forms G1068D, G601D, G1027D, G1162D, G973D.
Identifiers: ClinVar variation 3501929 (VCV003501929.1).